The following is an entry in ClinVar:

NM_024513.4(FYCO1):c.1950G>C (p.Gln650His)

Gene: FYCO1 (FYVE and coiled-coil domain autophagy adaptor 1; minus strand). Cytogenetic location: 3p21.31.
Variant type: single nucleotide variant.
Coding change: c.1950G>C on transcript NM_024513.4 (MANE Select); coding-DNA position 1950, G replaced by C.
Protein change: p.Gln650His; replaces glutamine 650 with histidine.
Molecular consequence: missense variant. On other transcripts: non-coding transcript variant (1).
Genome position (GRCh38, 1-based): chr3:45,967,384, C>G on the plus strand (G>C on the coding strand, the complement: FYCO1 is on the minus strand). VCF-style: chr3-45967384-C-G. GRCh37 (hg19) VCF-style: chr3-46008876-C-G.
Other names: c.1950G>C, p.Gln650His (NM_001386421.1, NM_001386422.1, NM_001386423.1 and 4 more transcripts); c.1830G>C, p.Gln610His (NM_001386426.1); c.1806G>C, p.Gln602His (NM_001386427.1); c.1350G>C, p.Gln450His (NM_001386430.1); c.1950G>C (NM_024513.2); short protein forms Q450H, Q602H, Q610H, Q650H.
Identifiers: ClinVar variation 2628477 (VCV002628477.2), dbSNP rs755453451, ClinGen allele CA2353146.

ClinVar aggregate classification (germline): Uncertain significance. Review status: criteria provided, multiple submitters, no conflicts (2 of 4 stars). 2 submissions from 2 submitters: Uncertain significance (2). Last evaluated 2024-10-28.

Conditions:
FYCO1-related disorder. Also called: FYCO1-related condition.
Inborn genetic diseases. Identifiers: MedGen C0950123, MeSH D030342.

Allele frequency attached by ClinVar (database versions not stated): TOPMed below 0.00001; gnomAD 0.00001; gnomAD exomes 0.00003; ExAC 0.00008.
gnomAD v4.1: 47 of 1,611,058 alleles (0.0029%); highest among the groups gnomAD compares: South Asian, 0.051%; no homozygotes.

Submissions (2):

Ambry Genetics
Classification: Uncertain significance for Inborn genetic diseases. Last evaluated: 2024-10-28. Review status: criteria provided, single submitter. Criteria: Ambry Variant Classification Scheme 2023. Collection method: clinical testing. Allele origin: germline.

PreventionGenetics, part of Exact Sciences
Classification: Uncertain significance for FYCO1-related condition. Last evaluated: 2022-10-14. Review status: criteria provided, single submitter. Criteria: ACMG Guidelines, 2015. Collection method: clinical testing. Allele origin: germline.
Comment: The FYCO1 c.1950G>C variant is predicted to result in the amino acid substitution p.Gln650His. To our knowledge, this variant has not been reported in the literature. This variant is reported in 0.049% of alleles in individuals of South Asian descent in gnomAD. At this time, the clinical significance of this variant is uncertain due to the absence of conclusive functional and genetic evidence.